The following is an entry in ClinVar:

NM_001286.5(CLCN6):c.25TGC[5] (p.Cys12_Arg13insCys)

Gene: CLCN6 (chloride voltage-gated channel 6; plus strand). Cytogenetic location: 1p36.22.
Variant type: Microsatellite.
Coding change: c.25TGC[5] on transcript NM_001286.5 (MANE Select); five copies in a row of the 3-base unit TGC starting at c.25; the reference has four copies in a row; one copy, 3 bases duplicated.
Protein change: p.Cys12_Arg13insCys.
Molecular consequence: inframe insertion. On other transcripts: non-coding transcript variant (1).
Genome position (GRCh38, 1-based): chr1:11,806,296-11,806,298, TGC duplicated; duplicating any 3 consecutive bases within chr1:11,806,287-11,806,298 gives the same sequence; the position shown is the placement nearest the transcript's 3' end. VCF-style (leftmost placement, unchanged base first): chr1-11806286-G-GTGC. GRCh37 (hg19) VCF-style: chr1-11866343-G-GTGC.
Other names: c.25TGC[5], p.Cys12_Arg13insCys (NM_001256959.2).
Identifiers: ClinVar variation 1979468 (VCV001979468.4), dbSNP rs1553188887, ClinGen allele CA595850.

ClinVar aggregate classification (germline): Uncertain significance (1 of 4 stars; one submission).

Submission:

Labcorp Genetics (formerly Invitae), Labcorp
Classification: Uncertain significance. Last evaluated: 2025-01-22. Review status: criteria provided, single submitter. Criteria: Invitae Variant Classification Sherloc (09022015). Collection method: clinical testing. Allele origin: germline.
Comment: This variant, c.34_36dup, results in the insertion of 1 amino acid(s) of the CLCN6 protein (p.Cys12dup), but otherwise preserves the integrity of the reading frame. This variant is present in population databases (rs752363354, gnomAD 0.001%). This variant has not been reported in the literature in individuals affected with CLCN6-related conditions. Experimental studies and prediction algorithms are not available or were not evaluated, and the functional significance of this variant is currently unknown. In summary, the available evidence is currently insufficient to determine the role of this variant in disease. Therefore, it has been classified as a Variant of Uncertain Significance.